The following is an entry in ClinVar:

NM_005477.3(HCN4):c.2677C>G (p.Pro893Ala)

Gene: HCN4 (hyperpolarization activated cyclic nucleotide gated potassium channel 4; minus strand). Cytogenetic location: 15q24.1.
Variant type: single nucleotide variant.
Coding change: c.2677C>G on transcript NM_005477.3 (MANE Select); coding-DNA position 2677, C replaced by G.
Protein change: p.Pro893Ala; replaces proline 893 with alanine.
Molecular consequence: missense variant.
Genome position (GRCh38, 1-based): chr15:73,323,416, G>C on the plus strand (C>G on the coding strand, the complement: HCN4 is on the minus strand). VCF-style: chr15-73323416-G-C. GRCh37 (hg19) VCF-style: chr15-73615757-G-C.
Other names: c.2677C>G (NM_005477.2); short protein forms P893A.
Identifiers: ClinVar variation 2088460 (VCV002088460.5), dbSNP rs1435913646, ClinGen allele CA393088435.

ClinVar aggregate classification (germline): Uncertain significance. Review status: criteria provided, multiple submitters, no conflicts (2 of 4 stars). 2 submissions from 2 submitters: Uncertain significance (2). Last evaluated 2026-03-26.

Conditions:
Brugada syndrome 8 (BRGDA8). Identifiers: Orphanet 130, MedGen C2751083, MONDO:0013148, OMIM 613123.

Submissions (2):

GeneDx
Classification: Uncertain significance. Last evaluated: 2026-03-26. Review status: criteria provided, single submitter. Criteria: GeneDx Variant Classification Process June 2021. Collection method: clinical testing. Allele origin: germline.
Comment: Not observed at significant frequency in large population cohorts (gnomAD); In silico analysis suggests that this missense variant does not alter protein structure/function; Has not been previously published as pathogenic or benign to our knowledge

Labcorp Genetics (formerly Invitae), Labcorp
Classification: Uncertain significance for Brugada syndrome 8. Last evaluated: 2022-01-21. Review status: criteria provided, single submitter. Criteria: Invitae Variant Classification Sherloc (09022015). Collection method: clinical testing. Allele origin: germline.
Comment: In summary, the available evidence is currently insufficient to determine the role of this variant in disease. Therefore, it has been classified as a Variant of Uncertain Significance. Advanced modeling of protein sequence and biophysical properties (such as structural, functional, and spatial information, amino acid conservation, physicochemical variation, residue mobility, and thermodynamic stability) performed at Invitae indicates that this missense variant is not expected to disrupt HCN4 protein function. This variant has not been reported in the literature in individuals affected with HCN4-related conditions. This variant is not present in population databases (gnomAD no frequency). This sequence change replaces proline, which is neutral and non-polar, with alanine, which is neutral and non-polar, at codon 893 of the HCN4 protein (p.Pro893Ala).